The following is an entry in ClinVar:

ClinVar aggregate classification (germline): Likely pathogenic (1 of 4 stars; one submission).

Allele frequency attached by ClinVar (database versions not stated): gnomAD exomes below 0.00001 and 0.00001; ExAC 0.00001.

Submission:

GeneDx
Classification: Likely pathogenic. Last evaluated: 2021-09-21. Review status: criteria provided, single submitter. Criteria: GeneDx Variant Classification Process June 2021. Collection method: clinical testing. Allele origin: germline. Affected: yes.
Comment: Published functional studies demonstrate that the N390D and A406V variants, either on their own or as the double mutant N390D; A406V complex allele, impair the glycosyltransferase function of B4GAT1 (Buysse et al., 2013).; Not observed at a significant frequency in large population cohorts (Lek et al., 2016); In silico analysis supports that this missense variant does not alter protein structure/function; This variant is associated with the following publications: (PMID: 23359570)

NM_006876.3(B4GAT1):c.1217C>T (p.Ala406Val)

Gene: B4GAT1 (beta-1,4-glucuronyltransferase 1; minus strand). Cytogenetic location: 11q13.2.
Variant type: single nucleotide variant.
Coding change: c.1217C>T on transcript NM_006876.3 (MANE Select); coding-DNA position 1217, C replaced by T.
Protein change: p.Ala406Val; replaces alanine 406 with valine.
Molecular consequence: missense variant.
Genome position (GRCh38, 1-based): chr11:66,346,080, G>A on the plus strand (C>T on the coding strand, the complement: B4GAT1 is on the minus strand). VCF-style: chr11-66346080-G-A. GRCh37 (hg19) VCF-style: chr11-66113551-G-A.
Other names: B4GAT1, ALA406VAL; short protein forms A406V.
Identifiers: ClinVar variation 242670 (VCV000242670.3), dbSNP rs397509396, ClinGen allele CA045574.